The following is an entry in ClinVar:

NM_020680.4(SCYL1):c.767G>A (p.Arg256His)

Gene: SCYL1 (SCY1 like pseudokinase 1; plus strand). Cytogenetic location: 11q13.1.
Variant type: single nucleotide variant.
Coding change: c.767G>A on transcript NM_020680.4 (MANE Select); coding-DNA position 767, G replaced by A.
Protein change: p.Arg256His; replaces arginine 256 with histidine.
Molecular consequence: missense variant. On other transcripts: intron variant (1).
Genome position (GRCh38, 1-based): chr11:65,527,035, G>A. VCF-style: chr11-65527035-G-A. GRCh37 (hg19) VCF-style: chr11-65294506-G-A.
Other names: p.Arg256His; c.767G>A, p.Arg256His (NM_001048218.2, NM_001411022.1, NM_001425179.1 and 18 more transcripts); c.764G>A, p.Arg255His (NM_001425180.1, NM_001425183.1); c.512G>A, p.Arg171His (NM_001425199.1); c.503G>A, p.Arg168His (NM_001425200.1); c.338G>A, p.Arg113His (NM_001425203.1, NM_001425204.1, NM_001425205.1 and 2 more transcripts); c.155G>A, p.Arg52His (NM_001425208.1, NM_001425209.1, NM_001425210.1 and 1 more transcripts); c.694-11G>A (NM_001425189.1); short protein forms R113H, R168H, R171H, R255H, R256H, R52H.
Identifiers: ClinVar variation 3380026 (VCV003380026.2).

ClinVar aggregate classification (germline): Uncertain significance. Review status: criteria provided, multiple submitters, no conflicts (2 of 4 stars). 2 submissions from 2 submitters: Uncertain significance (2). Last evaluated 2024-11-27.

gnomAD v4.1: 123 of 1,613,532 alleles (0.0076%); highest among the groups gnomAD compares: South Asian, 0.016%; no homozygotes.

Submissions (2):

Blueprint Genetics
Classification: Uncertain significance. Last evaluated: 2024-11-27. Review status: criteria provided, single submitter. Criteria: ACMG Guidelines, 2015. Collection method: clinical testing. Allele origin: germline.

Mayo Clinic Laboratories, Mayo Clinic
Classification: Uncertain significance. Last evaluated: 2023-09-18. Review status: criteria provided, single submitter. Criteria: ACMG Guidelines, 2015. Collection method: clinical testing. Allele origin: germline. Observed: 1 variant allele.
Comment: BP4